The following is an entry in ClinVar:

NM_014159.7(SETD2):c.148G>A (p.Ala50Thr)

Gene: SETD2 (SET domain containing 2, histone lysine methyltransferase; minus strand). Cytogenetic location: 3p21.31.
Variant type: single nucleotide variant.
Coding change: c.148G>A on transcript NM_014159.7 (MANE Select); coding-DNA position 148, G replaced by A.
Protein change: p.Ala50Thr; replaces alanine 50 with threonine.
Molecular consequence: missense variant. On other transcripts: non-coding transcript variant (1).
Genome position (GRCh38, 1-based): chr3:47,124,488, C>T on the plus strand (G>A on the coding strand, the complement: SETD2 is on the minus strand). VCF-style: chr3-47124488-C-T. GRCh37 (hg19) VCF-style: chr3-47165978-C-T.
Other names: c.16G>A, p.Ala6Thr (NM_001349370.3); short protein forms A50T, A6T.
Identifiers: ClinVar variation 542232 (VCV000542232.17), dbSNP rs191985301, ClinGen allele CA73812492.

ClinVar aggregate classification (germline): Conflicting classifications of pathogenicity. Review status: criteria provided, conflicting classifications (1 of 4 stars). 3 submissions from 3 submitters: Uncertain significance (1); Likely benign (1). 1 of the submissions does not count toward it. Last evaluated 2024-10-14.

Conditions:
Luscan-Lumish syndrome. Identifiers: Orphanet 597738, MedGen C4085873, MONDO:0014791, OMIM 616831.
SETD2-related disorder.

Allele frequency attached by ClinVar (database versions not stated): TOPMed 0.00005; gnomAD exomes 0.00006 and 0.00010; gnomAD 0.00009 and 0.00008; 1000 Genomes Project 0.00020; 1000 Genomes Project 30x 0.00016.
gnomAD v4.1: 99 of 1,551,736 alleles (0.0064%); highest among the groups gnomAD compares: Non-Finnish European, 0.0053%; no homozygotes.

Submissions (3):

Labcorp Genetics (formerly Invitae), Labcorp
Classification: Likely benign for Luscan-Lumish syndrome. Last evaluated: 2024-10-14. Review status: criteria provided, single submitter. Criteria: Invitae Variant Classification Sherloc (09022015). Collection method: clinical testing. Allele origin: germline.

Centre for Mendelian Genomics, University Medical Centre Ljubljana
Classification: Uncertain significance for Luscan-Lumish syndrome. Last evaluated: 2019-04-11. Review status: criteria provided, single submitter. Criteria: ACMG Guidelines, 2015. Collection method: clinical testing. Allele origin: unknown. Affected: yes.
Comment: This variant was classified as: Uncertain significance. The available evidence on this variant's pathogenicity is insufficient or conflicting. The following ACMG criteria were applied in classifying this variant: BP4.

PreventionGenetics, part of Exact Sciences
Classification: Likely benign for SETD2-related condition. Last evaluated: 2022-06-17. Review status: no assertion criteria provided. Collection method: clinical testing. Allele origin: germline. Not counted in ClinVar's aggregate classification.
Comment: This variant is classified as likely benign based on ACMG/AMP sequence variant interpretation guidelines (Richards et al. 2015 PMID: 25741868, with internal and published modifications).